The following is an entry in ClinVar:

NM_000212.3(ITGB3):c.1985G>A (p.Arg662His)

Gene: ITGB3 (integrin subunit beta 3; plus strand). Cytogenetic location: 17q21.32.
Variant type: single nucleotide variant.
Coding change: c.1985G>A on transcript NM_000212.3 (MANE Select); coding-DNA position 1985, G replaced by A.
Protein change: p.Arg662His; replaces arginine 662 with histidine.
Molecular consequence: missense variant.
Genome position (GRCh38, 1-based): chr17:47,300,549, G>A. VCF-style: chr17-47300549-G-A. GRCh37 (hg19) VCF-style: chr17-45377915-G-A.
Other names: c.1985G>A (NM_000212.2); short protein forms R662H.
Identifiers: ClinVar variation 323870 (VCV000323870.14), dbSNP rs369443204, ClinGen allele CA8623412.

ClinVar aggregate classification (germline): Uncertain significance. Review status: reviewed by expert panel (3 of 4 stars). 4 submissions from 4 submitters: Uncertain significance (1). 3 of the submissions do not count toward it. Last evaluated 2023-08-15.

Conditions:
Glanzmann thrombasthenia. Also called: PLATELET GLYCOPROTEIN IIb-IIIa DEFICIENCY; Thrombasthenia; Glanzmann's thrombasthenia; BLEEDING DISORDER, PLATELET-TYPE, 2; THROMBASTHENIA OF GLANZMANN AND NAEGELI. Identifiers: Orphanet 849, MedGen C0040015, MONDO:0100326.

Allele frequency attached by ClinVar (database versions not stated): ExAC 0.00003; gnomAD 0.00003; ESP Exome Variant Server 0.00015.
gnomAD v4.1: 25 of 1,613,920 alleles (0.0015%); highest among the groups gnomAD compares: Middle Eastern, 0.033%; no homozygotes.

Submissions (4):

ClinGen Platelet Disorders Variant Curation Expert Panel, ClinGen
Classification: Uncertain significance for Glanzmann thrombasthenia. Last evaluated: 2023-08-15. Review status: reviewed by expert panel. Criteria: ClinGen Platelet ACMG Specifications v2-1. Collection method: curation. Allele origin: germline. Inheritance: Autosomal recessive inheritance.
Comment: The NM_000212.3(ITGB3):c.1985G>A (p.Arg662His) missense variant has been reported in PMID: 25827233 due to its presence in WES and/or WGS databases but has not been reported in association with a GT patient. It is present in the gnomADv2.1.1 East Asian population at an allele frequency of 0.0001002 (PM2 threshold of <1/10,000 Not Met). A REVEL score of 0.699 is insufficient to predict a damaging effect (PP3 threshold >0.7). In summary, this variant is classified as uncertain significance for autosomal recessive Glanzmann Thrombasthenia based on the application of no ACMG/AMP criteria (PD VCEP specifications version 2.1).

Labcorp Genetics (formerly Invitae), Labcorp
Classification: Uncertain significance. Last evaluated: 2024-04-19. Review status: criteria provided, single submitter. Criteria: Invitae Variant Classification Sherloc (09022015). Collection method: clinical testing. Allele origin: germline. Not counted in ClinVar's aggregate classification.
Comment: This sequence change replaces arginine, which is basic and polar, with histidine, which is basic and polar, at codon 662 of the ITGB3 protein (p.Arg662His). This variant is present in population databases (rs369443204, gnomAD 0.01%). This variant has not been reported in the literature in individuals affected with ITGB3-related conditions. ClinVar contains an entry for this variant (Variation ID: 323870). Advanced modeling of protein sequence and biophysical properties (such as structural, functional, and spatial information, amino acid conservation, physicochemical variation, residue mobility, and thermodynamic stability) performed at Invitae indicates that this missense variant is not expected to disrupt ITGB3 protein function with a negative predictive value of 80%. In summary, the available evidence is currently insufficient to determine the role of this variant in disease. Therefore, it has been classified as a Variant of Uncertain Significance.

Illumina Laboratory Services, Illumina
Classification: Uncertain significance for Glanzmann thrombasthenia 1. Last evaluated: 2018-01-12. Review status: criteria provided, single submitter. Criteria: ICSL Variant Classification Criteria 13 December 2019. Collection method: clinical testing. Allele origin: germline. Not counted in ClinVar's aggregate classification.

Genetic Services Laboratory, University of Chicago
Classification: Likely pathogenic. Last evaluated: 2017-09-29. Review status: criteria provided, single submitter. Criteria: ACMG Guidelines, 2015. Collection method: clinical testing. Allele origin: germline. Affected: yes. Not counted in ClinVar's aggregate classification.